The following is an entry in ClinVar:

NM_007294.4(BRCA1):c.4910C>T (p.Pro1637Leu)

Gene: BRCA1 (BRCA1 DNA repair associated; minus strand). Cytogenetic location: 17q21.31.
Variant type: single nucleotide variant.
Coding change: c.4910C>T on transcript NM_007294.4 (MANE Select); coding-DNA position 4910, C replaced by T.
Protein change: p.Pro1637Leu; replaces proline 1637 with leucine.
Molecular consequence: missense variant. On other transcripts: non-coding transcript variant (1).
Genome position (GRCh38, 1-based): chr17:43,071,004, G>A on the plus strand (C>T on the coding strand, the complement: BRCA1 is on the minus strand). VCF-style: chr17-43071004-G-A. GRCh37 (hg19) VCF-style: chr17-41223021-G-A.
Other names: p.P1637L:CCA>CTA; 5029C>T; c.4574C>T, p.Pro1525Leu (NM_001407953.1, NM_001407954.1, NM_001407955.1 and 3 more transcripts); c.4571C>T, p.Pro1524Leu (NM_001407956.1, NM_001407957.1, NM_001407958.1); c.4529C>T, p.Pro1510Leu (NM_001407959.1); c.4526C>T, p.Pro1509Leu (NM_001407960.1, NM_001407962.1); c.4523C>T, p.Pro1508Leu (NM_001407963.1); c.1601C>T, p.Pro534Leu (NM_001407973.1, NM_001407974.1, NM_001407975.1 and 3 more transcripts); and 72 more; short protein forms P1637L, P1590L, P533L, P1658L, P1526L, P1547L, P1570L, P1595L.
Identifiers: ClinVar variation 55314 (VCV000055314.33), dbSNP rs80357048, ClinGen allele CA003076.
Genomic context (GRCh38, chr17:43,071,004, plus strand): 5'-AGGCCAGACACCACCATGGACATTCTTTTGTTGACCCTTTCTGTTGAAGCTGTCAATTCT[G>A]GCTTCTCCCTGCTCACACTTTCTTCCATTGCATTATACCCAGCAGTATCAGTAGTATGAG-3'
Protein context (NP_009225.1, residues 1627-1647): AMEESVSREK[Pro1637Leu]ELTASTERVN

ClinVar aggregate classification (germline): Benign. Review status: reviewed by expert panel (3 of 4 stars). 16 submissions from 16 submitters: Benign (1). 15 of the submissions do not count toward it. Last evaluated 2015-08-10.

Conditions:
BRCA1-related disorder. Also called: BRCA1-related condition.
Hereditary cancer-predisposing syndrome. Also called: Hereditary Cancer Syndrome; Hereditary neoplastic syndrome; Neoplastic Syndromes, Hereditary; Tumor predisposition. Identifiers: Orphanet 140162, MedGen C0027672, MeSH D009386, MONDO:0015356.
Malignant tumor of breast. Also called: Cancer breast; Malignant breast neoplasm. Identifiers: MedGen C0006142, MONDO:0007254. Disease mechanism: loss of function.
Hereditary breast ovarian cancer syndrome. Also called: BRCA1- and BRCA2-Associated Hereditary Breast and Ovarian Cancer; Hereditary breast and ovarian cancer syndrome; Hereditary breast and ovarian cancer syndrome (HBOC); Breast and ovarian cancer; Hereditary breast and/or ovarian cancer syndrome; Hereditary breast and ovarian cancer. Identifiers: Orphanet 145, MedGen C0677776, MeSH D061325, MONDO:0003582. Disease mechanism: loss of function.
Breast-ovarian cancer, familial, susceptibility to, 1 (BROVCA1). Also called: BRCA1 Hereditary Breast and Ovarian Cancer; OVARIAN CANCER, SUSCEPTIBILITY TO. Identifiers: Orphanet 145, MedGen C2676676, MONDO:0011450, OMIM 604370. Disease mechanism: loss of function.

Allele frequency attached by ClinVar (database versions not stated): ExAC 0.00002; gnomAD exomes 0.00004 and 0.00003; TOPMed 0.00002; gnomAD 0.00001.
gnomAD v4.1: 60 of 1,614,068 alleles (0.0037%); highest among the groups gnomAD compares: Non-Finnish European, 0.0048%; no homozygotes.

Submissions 1 to 15 of 17:

Evidence-based Network for the Interpretation of Germline Mutant Alleles (ENIGMA)
Classification: Benign for Breast-ovarian cancer, familial 1. Last evaluated: 2015-08-10. Review status: reviewed by expert panel. Criteria: ENIGMA BRCA1/2 Classification Criteria (2015). Collection method: curation. Allele origin: germline.
Comment: IARC class based on posterior probability from multifactorial likelihood analysis, thresholds for class as per Plon et al. 2008 (PMID: 18951446). Class 1 based on posterior probability = 0.0000627

Labcorp Genetics (formerly Invitae), Labcorp
Classification: Benign for Hereditary breast ovarian cancer syndrome. Last evaluated: 2026-01-26. Review status: criteria provided, single submitter. Criteria: Invitae Variant Classification Sherloc (09022015). Collection method: clinical testing. Allele origin: germline. Not counted in ClinVar's aggregate classification.

Center for Genomic Medicine, Rigshospitalet, Copenhagen University Hospital
Classification: Benign. Last evaluated: 2025-12-29. Review status: criteria provided, single submitter. Criteria: ACMG Guidelines, 2015. Collection method: clinical testing. Allele origin: germline. Not counted in ClinVar's aggregate classification.

Molecular Diagnostics Laboratory, Catalan Institute of Oncology
Classification: Benign for Hereditary cancer-predisposing syndrome. Last evaluated: 2024-12-09. Review status: criteria provided, single submitter. Criteria: ClinGen BRCA1BRCA2 ACMG Specifications BRCA1 V1.0.0. Collection method: clinical testing. Allele origin: germline. Not counted in ClinVar's aggregate classification.
Comment: BS3_, BP1_Strong, BP5_VeryStrong, c.4910C>T, located in exon 15 (16 according to BIC nomenclature) of the BRCA1 gene, is predicted to result in the substitution of proline by leucine at codon 1637, p.(Pro1637Leu). This position is outside a (potentially) clinically important functional domain and, moreover, the SpliceAI algorithm predicts no significant impact on splicing (BP1_strong). This variant is found in 5/268222 alleles at a frequency of 0.001% in the gnomAD v2.1.1 database, non-cancer dataset. Two calibrated studies have reported this variant to affect protein function similar to benign control variants (PMIDs:30209399, 30765603) (BS3). The combined LR against pathogenicity, based on multifactorial likelihood clinical data, is <0.0028 (BP5_VeryStrong). This variant has been reported in the ClinVar database (6x benign, 5x likely benign, 2x uncertain significance), and in the LOVD (2x likely benign, 2x uncertain significance) and the BRCA Exchange database (classified as benign). Based on currently available information, the variant c.4910C>T should be considered a benign variant, according to ClinGen ENIGMA BRCA1 and BRCA2 Expert Panel Specifications to the ACMG/AMP Variant Interpretation Guidelines for BRCA1 Version 1.0.0.

Sema4
Classification: Likely benign for Hereditary cancer-predisposing syndrome. Last evaluated: 2021-01-01. Review status: criteria provided, single submitter. Criteria: Sema4 Curation Guidelines. Collection method: curation. Allele origin: germline. Not counted in ClinVar's aggregate classification.

GeneDx
Classification: Likely benign. Last evaluated: 2020-09-21. Review status: criteria provided, single submitter. Criteria: GeneDx Variant Classification Process June 2021. Collection method: clinical testing. Allele origin: germline. Affected: yes. Not counted in ClinVar's aggregate classification.
Comment: This variant is associated with the following publications: (PMID: 25782689, 22753008, 15004537, 18284688, 16014699, 17924331, 7939630, 9159158, 26689913, 21990134, 24448499, 11183185, 28398198, 28781887, 30209399, 30765603, 33087888)

Mendelics
Classification: Benign for Breast-ovarian cancer, familial, susceptibility to, 1. Last evaluated: 2019-05-28. Review status: criteria provided, single submitter. Criteria: Mendelics Assertion Criteria 2017. Collection method: clinical testing. Allele origin: unknown. Not counted in ClinVar's aggregate classification.

Laboratory for Molecular Medicine, Mass General Brigham Personalized Medicine
Classification: Uncertain significance. Last evaluated: 2016-08-11. Review status: criteria provided, single submitter. Criteria: LMM Criteria. Collection method: clinical testing. Allele origin: germline. Not counted in ClinVar's aggregate classification.
Comment: Variant identified in a genome or exome case(s) and assessed due to predicted null impact of the variant or pathogenic assertions in the literature or databases. Disclaimer: This variant has not undergone full assessment. The following are preliminary notes: Classified as benign by expert panel (8/10/15)

Women's Health and Genetics/Laboratory Corporation of America, LabCorp
Classification: Benign. Last evaluated: 2016-03-22. Review status: criteria provided, single submitter. Criteria: LabCorp Variant Classification Summary - May 2015. Collection method: clinical testing. Allele origin: germline. Not counted in ClinVar's aggregate classification.
Comment: Variant Summary: This variant involves alteration of a non-conserved nucleotide and 2/4 in silico tools predict a benign outcome (SNP&GO not captured here due to low reliability index). This variant was found in 3/121924 control chromosomes at a frequency of 0.0000246, which does not significantly exceed maximal expected frequency of a pathogenic allele (0.0010005). Variant has been reported in multiple affected individuals without evidence for causality. In particular, this variant is found to commonly co-occur with the BRCA1 pathogenic variant c.2457delC (internal data, BIC database, Humphrey_1997, and Tavtigian_2006), suggesting this variant of interest is in linkage disequilibrium and has been suggested to be a rare polymorphism per Humphrey_1997. In addition, multiple publications (Easton_2007, Lindor_2012 and Humphrey_1997), clinical labs, and databases (ARUP, ClinVar, Invitae, SCRP) classify the variant as benign/likely benign. Functional studies suggest that the variant acts comparably to wild-type (Humphrey_1997 and Coyne_2004). Considering all, variant is classified as Benign.

Color Diagnostics, LLC DBA Color Health
Classification: Likely benign for Hereditary cancer-predisposing syndrome. Last evaluated: 2015-04-07. Review status: criteria provided, single submitter. Criteria: ACMG Guidelines, 2015. Collection method: clinical testing. Allele origin: germline. Not counted in ClinVar's aggregate classification.

Ambry Genetics
Classification: Benign for Hereditary cancer-predisposing syndrome. Last evaluated: 2014-11-18. Review status: criteria provided, single submitter. Criteria: Ambry Variant Classification Scheme 2023. Collection method: clinical testing. Allele origin: germline. Not counted in ClinVar's aggregate classification.

Molecular Genetics Laboratory, University of Michigan
Classification: Benign for Breast-ovarian cancer, familial, susceptibility to, 1. Last evaluated: 2014-11-03. Review status: criteria provided, single submitter. Criteria: ACMG Guidelines, 2015. Collection method: clinical testing. Allele origin: germline. Affected: yes. Not counted in ClinVar's aggregate classification.

PreventionGenetics, part of Exact Sciences
Classification: Likely benign for BRCA1-related condition. Last evaluated: 2021-02-18. Review status: no assertion criteria provided. Collection method: clinical testing. Allele origin: germline. Not counted in ClinVar's aggregate classification.
Comment: This variant is classified as likely benign based on ACMG/AMP sequence variant interpretation guidelines (Richards et al. 2015 PMID: 25741868, with internal and published modifications).

Sharing Clinical Reports Project (SCRP)
Classification: Benign for Breast-ovarian cancer, familial 1. Last evaluated: 2012-05-01. Review status: no assertion criteria provided. Collection method: clinical testing. Allele origin: germline. Not counted in ClinVar's aggregate classification.

Breast Cancer Information Core (BIC) (BRCA1)
Classification: Uncertain significance for Breast-ovarian cancer, familial 1. Last evaluated: 2002-05-29. Review status: no assertion criteria provided. Collection method: clinical testing. Allele origin: germline. Affected: yes. Observed: 67 variant alleles. Not counted in ClinVar's aggregate classification.